The following is an entry in ClinVar:

ClinVar aggregate classification (germline): Uncertain significance. Review status: criteria provided, multiple submitters, no conflicts (2 of 4 stars). 2 submissions from 2 submitters: Uncertain significance (2). Last evaluated 2025-11-05.

Conditions:
Familial adenomatous polyposis 1 (FAP1). Also called: FAMILIAL ADENOMATOUS POLYPOSIS 1, ATTENUATED; POLYPOSIS, ADENOMATOUS INTESTINAL. Identifiers: MedGen C2713442, MONDO:0021056, OMIM 175100. Disease mechanism: loss of function.
Hereditary cancer-predisposing syndrome. Also called: Tumor predisposition; Hereditary Cancer Syndrome; Neoplastic Syndromes, Hereditary; Hereditary neoplastic syndrome. Identifiers: Orphanet 140162, MedGen C0027672, MeSH D009386, MONDO:0015356.

Submissions (2):

Labcorp Genetics (formerly Invitae), Labcorp
Classification: Uncertain significance for Familial adenomatous polyposis 1. Last evaluated: 2025-11-05. Review status: criteria provided, single submitter. Criteria: Invitae Variant Classification Sherloc (09022015). Collection method: clinical testing. Allele origin: germline.
Comment: This sequence change replaces asparagine, which is neutral and polar, with lysine, which is basic and polar, at codon 1070 of the APC protein (p.Asn1070Lys). This variant is not present in population databases (gnomAD no frequency). This variant has not been reported in the literature in individuals affected with APC-related conditions. ClinVar contains an entry for this variant (Variation ID: 823212). Invitae Evidence Modeling of protein sequence and biophysical properties (such as structural, functional, and spatial information, amino acid conservation, physicochemical variation, residue mobility, and thermodynamic stability) indicates that this missense variant is not expected to disrupt APC protein function with a negative predictive value of 95%. In summary, the available evidence is currently insufficient to determine the role of this variant in disease. Therefore, it has been classified as a Variant of Uncertain Significance.

Ambry Genetics
Classification: Uncertain significance for Hereditary cancer-predisposing syndrome. Last evaluated: 2022-05-24. Review status: criteria provided, single submitter. Criteria: Ambry Variant Classification Scheme 2023. Collection method: clinical testing. Allele origin: germline.
Comment: The p.N1070K variant (also known as c.3210T>A), located in coding exon 15 of the APC gene, results from a T to A substitution at nucleotide position 3210. The asparagine at codon 1070 is replaced by lysine, an amino acid with similar properties. This amino acid position is poorly conserved in available vertebrate species. In addition, in silico predictors for this gene do not accurately predict pathogenicity. Since supporting evidence is limited at this time, the clinical significance of this alteration remains unclear.

NM_000038.6(APC):c.3210T>A (p.Asn1070Lys)

Gene: APC (APC regulator of Wnt signaling pathway; plus strand). Cytogenetic location: 5q22.2.
Variant type: single nucleotide variant.
Coding change: c.3210T>A on transcript NM_000038.6 (MANE Select); coding-DNA position 3210, T replaced by A.
Protein change: p.Asn1070Lys; replaces asparagine 1070 with lysine.
Molecular consequence: missense variant.
Genome position (GRCh38, 1-based): chr5:112,838,804, T>A. VCF-style: chr5-112838804-T-A. GRCh37 (hg19) VCF-style: chr5-112174501-T-A.
Other names: c.3210T>A, p.Asn1070Lys (NM_001127510.3, NM_001354895.2); c.3156T>A, p.Asn1052Lys (NM_001127511.3); c.3264T>A, p.Asn1088Lys (NM_001354896.2); c.3240T>A, p.Asn1080Lys (NM_001354897.2); c.3135T>A, p.Asn1045Lys (NM_001354898.2); c.3126T>A, p.Asn1042Lys (NM_001354899.2); c.3087T>A, p.Asn1029Lys (NM_001354900.2); c.3033T>A, p.Asn1011Lys (NM_001354901.2); and 5 more; short protein forms N1052K, N1088K, N979K, N1042K, N1045K, N944K, N969K, N1011K.
Identifiers: ClinVar variation 823212 (VCV000823212.10), dbSNP rs886059794, ClinGen allele CA16028375.